The following is an entry in ClinVar:

ClinVar aggregate classification (germline): Uncertain significance (1 of 4 stars; one submission).

Conditions:
Hereditary spastic paraplegia 4. Also called: Spastic paraplegia 4, autosomal dominant; Familial spastic paraplegia autosomal dominant 2; Spastic Paraplegia 4. Identifiers: Orphanet 100985, MedGen C1866855, MONDO:0008438, OMIM 182601.

Submission:

Labcorp Genetics (formerly Invitae), Labcorp
Classification: Uncertain significance for Hereditary spastic paraplegia 4. Last evaluated: 2023-02-25. Review status: criteria provided, single submitter. Criteria: Invitae Variant Classification Sherloc (09022015). Collection method: clinical testing. Allele origin: germline.
Comment: This sequence change replaces histidine, which is basic and polar, with asparagine, which is neutral and polar, at codon 70 of the SPAST protein (p.His70Asn). In summary, the available evidence is currently insufficient to determine the role of this variant in disease. Therefore, it has been classified as a Variant of Uncertain Significance. This variant is not present in population databases (gnomAD no frequency). This variant has not been reported in the literature in individuals affected with SPAST-related conditions. Advanced modeling of protein sequence and biophysical properties (such as structural, functional, and spatial information, amino acid conservation, physicochemical variation, residue mobility, and thermodynamic stability) has been performed at Invitae for this missense variant, however the output from this modeling did not meet the statistical confidence thresholds required to predict the impact of this variant on SPAST protein function.

NM_014946.4(SPAST):c.208C>A (p.His70Asn)

Gene: SPAST (spastin; plus strand). Cytogenetic location: 2p22.3.
Variant type: single nucleotide variant.
Coding change: c.208C>A on transcript NM_014946.4 (MANE Select); coding-DNA position 208, C replaced by A.
Protein change: p.His70Asn; replaces histidine 70 with asparagine.
Molecular consequence: missense variant.
Genome position (GRCh38, 1-based): chr2:32,064,039, C>A. VCF-style: chr2-32064039-C-A. GRCh37 (hg19) VCF-style: chr2-32289108-C-A.
Other names: c.208C>A, p.His70Asn (NM_001363823.2, NM_001363875.2, NM_001377959.1 and 1 more transcripts); short protein forms H70N.
Identifiers: ClinVar variation 2789422 (VCV002789422.3), dbSNP rs1422024147, ClinGen allele CA346601697.